The following is an entry in ClinVar:

ClinVar aggregate classification (germline): Conflicting classifications of pathogenicity. Review status: criteria provided, conflicting classifications (1 of 4 stars). 4 submissions from 4 submitters: Likely pathogenic (3); Uncertain significance (1). Last evaluated 2025-03-27.

Conditions:
TGFBR1-related disorder. Also called: TGFBR1-related condition.
Familial thoracic aortic aneurysm and aortic dissection (TAAD). Also called: Thoracic aortic aneurysms and dissections. Identifiers: Orphanet 91387, MedGen C4707243, MONDO:0019625.

Submissions (4):

Ambry Genetics
Classification: Likely pathogenic for Familial thoracic aortic aneurysm and aortic dissection. Last evaluated: 2025-03-27. Review status: criteria provided, single submitter. Criteria: Ambry Variant Classification Scheme 2023. Collection method: clinical testing. Allele origin: germline.
Comment: The p.R237G variant (also known as c.709A>G), located in coding exon 4 of the TGFBR1 gene, results from an A to G substitution at nucleotide position 709. The arginine at codon 237 is replaced by glycine, an amino acid with dissimilar properties. This variant (also referred to as NM_001130916:c.478A>G, p.R160G) was reported in individual(s) with features consistent with TGFBR1-related Loeys-Dietz syndrome; in at least one individual, it was determined to be de novo (Li J et al. Mol Genet Genomic Med, 2021 Oct;9:e1800; Zhurayev R et al. Genet Res (Camb), 2016 Oct;98:e13; Ambry internal data). This missense alteration is located in a region that has a low rate of benign missense variation (Lek M et al. Nature. 2016 Aug 18;536(7616):285-91; DECIPHER: Database of Chromosomal Imbalance and Phenotype in Humans using Ensembl Resources. Firth H.V. et al. 2009. Am.J.Hum.Genet. 84, 524-533 (DOI)). This amino acid position is highly conserved in available vertebrate species. In addition, this alteration is predicted to be deleterious by in silico analysis. This variant is considered to be rare based on population cohorts in the Genome Aggregation Database (gnomAD). Based on the supporting evidence, this variant is likely pathogenic for TGFBR1-related Loeys-Dietz syndrome; however, the association of this variant with an increased risk of multiple self-healing squamous epithelioma (MSSE) is unknown.

Labcorp Genetics (formerly Invitae), Labcorp
Classification: Likely pathogenic for Familial thoracic aortic aneurysm and aortic dissection. Last evaluated: 2022-01-05. Review status: criteria provided, single submitter. Criteria: Invitae Variant Classification Sherloc (09022015). Collection method: clinical testing. Allele origin: germline.
Comment: Advanced modeling of protein sequence and biophysical properties (such as structural, functional, and spatial information, amino acid conservation, physicochemical variation, residue mobility, and thermodynamic stability) performed at Invitae indicates that this missense variant is expected to disrupt TGFBR1 protein function. In summary, the currently available evidence indicates that the variant is pathogenic, but additional data are needed to prove that conclusively. Therefore, this variant has been classified as Likely Pathogenic. ClinVar contains an entry for this variant (Variation ID: 213876). This missense change has been observed in individuals with clinical features of TGFBR1-related conditions (PMID: 27724990, 27879313; Invitae). This variant is not present in population databases (gnomAD no frequency). This sequence change replaces arginine, which is basic and polar, with glycine, which is neutral and non-polar, at codon 237 of the TGFBR1 protein (p.Arg237Gly).

Blueprint Genetics
Classification: Likely pathogenic for TGFBR1-related disorders. Last evaluated: 2019-05-07. Review status: criteria provided, single submitter. Criteria: ACMG Guidelines, 2015. Collection method: clinical testing. Allele origin: germline. Affected: yes. Observed: 1 variant allele.

GeneDx
Classification: Uncertain significance. Last evaluated: 2017-08-15. Review status: criteria provided, single submitter. Criteria: GeneDx Variant Classification (06012015). Collection method: clinical testing. Allele origin: germline. Affected: yes.
Comment: The R237G variant of uncertain significance has been identified in the TGRBR1 gene. It has also been reported in three individuals with unspecified aortic disease (Jondeau et al., 2016). This variant is not observed in large population cohorts (Lek et al., 2016; 1000 Genomes Consortium et al., 2015; Exome Variant Server). The R237G variant is a non-conservative amino acid substitution, which is likely to impact secondary protein structure as these residues differ in polarity, charge, size and/or other properties. This substitution occurs at a position that is conserved across species, and in silico analysis predicts this variant is probably damaging to the protein structure/function. However, to our knowledge no studies have been performed to determine the functional effect of the R237G variant.

Literature cited by the submitters: PubMed 27724990 (cited by Ambry Genetics and Labcorp Genetics (formerly Invitae), Labcorp); PubMed 34498425 (cited by Ambry Genetics); PubMed 27879313 (cited by Labcorp Genetics (formerly Invitae), Labcorp).

NM_004612.4(TGFBR1):c.709A>G (p.Arg237Gly)

Gene: TGFBR1 (transforming growth factor beta receptor 1; plus strand). Cytogenetic location: 9q22.33.
Variant type: single nucleotide variant.
Coding change: c.709A>G on transcript NM_004612.4 (MANE Select); coding-DNA position 709, A replaced by G.
Protein change: p.Arg237Gly; replaces arginine 237 with glycine.
Molecular consequence: missense variant.
Genome position (GRCh38, 1-based): chr9:99,137,993, A>G. VCF-style: chr9-99137993-A-G. GRCh37 (hg19) VCF-style: chr9-101900275-A-G.
Other names: p.R237G:AGA>GGA; c.478A>G, p.Arg160Gly (NM_001130916.3); c.721A>G, p.Arg241Gly (NM_001306210.2); short protein forms R237G, R241G, R160G.
Identifiers: ClinVar variation 213876 (VCV000213876.8), dbSNP rs863223813, ClinGen allele CA323375.
Genomic context (GRCh38, chr9:99,137,993, plus strand): 5'-GGAGAAGTTTGGAGAGGAAAGTGGCGGGGAGAAGAAGTTGCTGTTAAGATATTCTCCTCT[A>G]GAGAAGAACGTTCGTGGTTCCGTGAGGCAGAGATTTATCAAACTGTAATGTTACGTCATG-3'
Protein context (NP_004603.1, residues 227-247): EEVAVKIFSS[Arg237Gly]EERSWFREAE